The following is an entry in ClinVar:

NM_000088.4(COL1A1):c.103+2T>C

Gene: COL1A1 (collagen type I alpha 1 chain; minus strand). Cytogenetic location: 17q21.33.
Variant type: single nucleotide variant.
Coding change: c.103+2T>C on transcript NM_000088.4 (MANE Select); the canonical splice donor site of the intron after coding-DNA position 103, T replaced by C.
Molecular consequence: splice donor variant.
Genome position (GRCh38, 1-based): chr17:50,201,409, A>G on the plus strand (T>C on the coding strand, the complement: COL1A1 is on the minus strand). VCF-style: chr17-50201409-A-G. GRCh37 (hg19) VCF-style: chr17-48278770-A-G.
Identifiers: ClinVar variation 859389 (VCV000859389.9), dbSNP rs1908083033, ClinGen allele CA400230027.

ClinVar aggregate classification (germline): Pathogenic. Review status: criteria provided, multiple submitters, no conflicts (2 of 4 stars). 2 submissions from 2 submitters: Pathogenic (2). Last evaluated 2023-11-05.

Conditions:
Osteogenesis imperfecta type I (OI1). Also called: OI, TYPE I; OSTEOGENESIS IMPERFECTA TARDA; OSTEOGENESIS IMPERFECTA WITH BLUE SCLERAE; Osteogenesis imperfecta type 1; Lobstein disease; Lobstein's Disease. Identifiers: Orphanet 216796, Orphanet 666, MedGen C0023931, MONDO:0008146, OMIM 166200. Disease mechanism: loss of function.
Osteogenesis imperfecta (OI). Identifiers: Orphanet 666, MedGen C0029434, MeSH D010013, MONDO:0019019.

Submissions (2):

Molecular Genetics, Royal Melbourne Hospital
Classification: Pathogenic for Osteogenesis imperfecta. Last evaluated: 2023-11-05. Review status: criteria provided, single submitter. Criteria: ACMG Guidelines, 2015. Collection method: clinical testing. Allele origin: germline. Inheritance: Autosomal dominant inheritance. Affected: yes.
Comment: This sequence change in COL1A1 occurs within the canonical splice donor site of intron 1. It is predicted to cause cryptic donor site activation, resulting in a frameshift leading to nonsense-mediated decay in a gene in which loss-of-function is an established disease mechanism. This variant is absent from the population database gnomAD v2.1 and v3.1. This variant has been reported in at least four probands with osteogenesis imperfecta (PMID: 27519266, 32166892). Based on the classification scheme RMH Modified ACMG/AMP Guidelines v1.6.1, this variant is classified as PATHOGENIC. Following criteria are met: PVS1, PM2_Supporting, PS4_Supporting.

Labcorp Genetics (formerly Invitae), Labcorp
Classification: Pathogenic for Osteogenesis imperfecta type I. Last evaluated: 2021-12-19. Review status: criteria provided, single submitter. Criteria: Invitae Variant Classification Sherloc (09022015). Collection method: clinical testing. Allele origin: germline.
Comment: Algorithms developed to predict the effect of sequence changes on RNA splicing suggest that this variant may disrupt the consensus splice site. For these reasons, this variant has been classified as Pathogenic. ClinVar contains an entry for this variant (Variation ID: 859389). Disruption of this splice site has been observed in individuals with autosomal dominant osteogenesis imperfecta (PMID: 27519266). This variant is not present in population databases (gnomAD no frequency). This sequence change affects a donor splice site in intron 1 of the COL1A1 gene. It is expected to disrupt RNA splicing. Variants that disrupt the donor or acceptor splice site typically lead to a loss of protein function (PMID: 16199547), and loss-of-function variants in COL1A1 are known to be pathogenic (PMID: 7942841, 9295084, 9443882).

Literature cited by the submitters: PubMed 27519266 (cited by Molecular Genetics, Royal Melbourne Hospital and Labcorp Genetics (formerly Invitae), Labcorp); PubMed 32166892 (cited by Molecular Genetics, Royal Melbourne Hospital); PubMed 16199547 (cited by Labcorp Genetics (formerly Invitae), Labcorp); PubMed 7942841 (cited by Labcorp Genetics (formerly Invitae), Labcorp); PubMed 9295084 (cited by Labcorp Genetics (formerly Invitae), Labcorp); PubMed 9443882 (cited by Labcorp Genetics (formerly Invitae), Labcorp).